The following is an entry in ClinVar:

ClinVar aggregate classification (germline): Pathogenic (1 of 4 stars; one submission).

Conditions:
Renal carnitine transport defect (CDSP). Also called: Carnitine transporter deficiency; Carnitine Deficiency, Systemic; Systemic primary carnitine deficiency disease; CARNITINE DEFICIENCY, SYSTEMIC, DUE TO DEFECT IN RENAL REABSORPTION OF CARNITINE; CARNITINE TRANSPORTER, PLASMA-MEMBRANE, DEFICIENCY OF; CARNITINE UPTAKE DEFECT. Identifiers: Orphanet 158, MedGen C0342788, MONDO:0008919, OMIM 212140.

Submission:

Labcorp Genetics (formerly Invitae), Labcorp
Classification: Pathogenic for Renal carnitine transport defect. Last evaluated: 2021-09-20. Review status: criteria provided, single submitter. Criteria: Invitae Variant Classification Sherloc (09022015). Collection method: clinical testing. Allele origin: germline.
Comment: This sequence change creates a premature translational stop signal (p.Val430Alafs*3) in the SLC22A5 gene. It is expected to result in an absent or disrupted protein product. Loss-of-function variants in SLC22A5 are known to be pathogenic (PMID: 9916797). This variant is not present in population databases (ExAC no frequency). This variant has not been reported in the literature in individuals affected with SLC22A5-related conditions. Algorithms developed to predict the effect of sequence changes on RNA splicing suggest that this variant may create or strengthen a splice site. For these reasons, this variant has been classified as Pathogenic.

Literature cited by the submitters: PubMed 9916797.

NM_003060.4(SLC22A5):c.1289del (p.Val430fs)

Gene: SLC22A5 (solute carrier family 22 member 5; plus strand). Cytogenetic location: 5q31.1.
Variant type: Deletion.
Coding change: c.1289del on transcript NM_003060.4 (MANE Select); coding-DNA position 1289, one base deleted (T; older notation c.1289delT).
Protein change: p.Val430fs; shifts the reading frame from valine 430.
Molecular consequence: frameshift variant.
Genome position (GRCh38, 1-based): chr5:132,392,454, T deleted. VCF-style (leftmost placement, unchanged base first): chr5-132392453-GT-G. GRCh37 (hg19) VCF-style: chr5-131728145-GT-G.
Other names: c.1361del, p.Val454fs (NM_001308122.2); short protein forms V430fs, V454fs.
Identifiers: ClinVar variation 1452650 (VCV001452650.6), dbSNP rs2126791314, ClinGen allele CA2573138881.
Genomic context (GRCh38, chr5:132,392,453, plus strand): 5'-GTTGGTACCTACTCCTACCCTCTTTCCTTTGCTTCTCCAGACTTGTATTATTTGGCTACA[GT>G]CCTGGTGATGGTGGGCAAGTTTGGAGTCACGGCTGCCTTTTCCATGGTCTACGTGTACAC-3'